The following is an entry in ClinVar:

NM_178161.3(PTF1A):c.878A>C (p.Asn293Thr)

Gene: PTF1A (pancreas associated transcription factor 1a; plus strand). Cytogenetic location: 10p12.2.
Variant type: single nucleotide variant.
Coding change: c.878A>C on transcript NM_178161.3 (MANE Select); coding-DNA position 878, A replaced by C.
Protein change: p.Asn293Thr; replaces asparagine 293 with threonine.
Molecular consequence: missense variant.
Genome position (GRCh38, 1-based): chr10:23,193,797, A>C. VCF-style: chr10-23193797-A-C. GRCh37 (hg19) VCF-style: chr10-23482726-A-C.
Other names: short protein forms N293T.
Identifiers: ClinVar variation 4279826 (VCV004279826.1).

ClinVar aggregate classification (germline): Uncertain significance (1 of 4 stars; one submission).

Conditions:
Permanent neonatal diabetes mellitus-pancreatic and cerebellar agenesis syndrome. Also called: PANCREATIC AND CEREBELLAR AGENESIS. Identifiers: Orphanet 65288, MedGen C1836780, MONDO:0012192, OMIM 609069.
Pancreatic agenesis 2 (PAGEN2). Also called: PANCREATIC HYPOPLASIA, CONGENITAL 2. Identifiers: Orphanet 2805, MedGen C4014737, MONDO:0014406, OMIM 615935.

gnomAD v4.1: 5 of 1,613,808 alleles (0.00031%); highest among the groups gnomAD compares: East Asian, 0.0089%; no homozygotes.

Submission:

Clinical Genomics Laboratory, Washington University in St. Louis
Classification: Uncertain significance for Pancreatic agenesis 2; Permanent neonatal diabetes mellitus-pancreatic and cerebellar agenesis syndrome. Last evaluated: 2025-01-07. Review status: criteria provided, single submitter. Criteria: ACMG Guidelines, 2015. Collection method: clinical testing. Allele origin: germline.
Comment: A PTF1A c.878A>C (p.Asn293Thr) variant was identified in a heterozygous state. This variant, to our knowledge, has not been reported in the medical literature or the ClinVar database. This variant is only observed on 2/251,472 alleles in the general population (gnomAD v.2.1.1), indicating it is not a common variant. Computational predictors indicate that the variant is damaging, evidence that correlates with impact on PTF1A function. Due to limited information, and based on ACMG/AMP guidelines for variant interpretation (Richards S et al., PMID: 25741868), the clinical significance of the PTF1A c.878A>C (p.Asn293Thr) variant is uncertain at this time.